The following is an entry in ClinVar:

NM_002693.3(POLG):c.1251-38G>C

Gene: POLG (DNA polymerase gamma, catalytic subunit; minus strand). Cytogenetic location: 15q26.1.
Variant type: single nucleotide variant.
Coding change: c.1251-38G>C on transcript NM_002693.3 (MANE Select); 38 bases into the intron before coding-DNA position 1251, G replaced by C.
Molecular consequence: intron variant.
Genome position (GRCh38, 1-based): chr15:89,327,387, C>G on the plus strand (G>C on the coding strand, the complement: POLG is on the minus strand). VCF-style: chr15-89327387-C-G. GRCh37 (hg19) VCF-style: chr15-89870618-C-G.
Other names: c.1251-38G>C (NM_001126131.2).
Identifiers: ClinVar variation 619357 (VCV000619357.1), dbSNP rs1567191551, ClinGen allele CA10602306.

ClinVar aggregate classification (germline): Likely benign (1 of 4 stars; one submission).

Conditions:
Progressive sclerosing poliodystrophy (MTDPS4A). Also called: Alpers-Huttenlocher Syndrome (AHS); Alpers Syndrome; ALPERS PROGRESSIVE INFANTILE POLIODYSTROPHY; Mitochondrial DNA depletion syndrome 4A (Alpers type); ALPERS DIFFUSE DEGENERATION OF CEREBRAL GRAY MATTER WITH HEPATIC CIRRHOSIS; Alpers-Huttenlocher Syndrome. Identifiers: Orphanet 726, MedGen C0205710, MONDO:0008758, OMIM 203700.

Allele frequency attached by ClinVar (database versions not stated): gnomAD exomes below 0.00001.

Submission:

Wong Mito Lab, Molecular and Human Genetics, Baylor College of Medicine
Classification: Likely benign for Progressive sclerosing poliodystrophy. Last evaluated: 2018-10-01. Review status: criteria provided, single submitter. Criteria: ACMG Guidelines, 2015. Collection method: clinical testing. Allele origin: germline.
Comment: The NM_002693.2:c.1251-38G>C (NP_002684.1:p.=) [GRCH38: NC_000015.10:g.89327387C>G] variant in POLG gene is interpretated to be a Likely Benign based on ACMG guidelines (PMID: 25741868). This variant meets the following evidence codes reported in the ACMG-guideline. BP2:The variant is observed in trans/cis with a dominant variant. BP4:Computational evidence/predictors indicate no impact on the POLG structure, function, or protein-protein interaction. Based on the evidence criteria codes applied, the variant is suggested to be Likely Benign.